The following is an entry in ClinVar:

ClinVar aggregate classification (germline): Uncertain significance (1 of 4 stars; one submission).

Conditions:
Neuroblastoma, susceptibility to, 3. Also called: ALK-Related Neuroblastic Tumor Susceptibility. Identifiers: Orphanet 635, MedGen C2751681, MONDO:0013083, OMIM 613014.

Submission:

Labcorp Genetics (formerly Invitae), Labcorp
Classification: Uncertain significance for Neuroblastoma, susceptibility to, 3. Last evaluated: 2025-10-07. Review status: criteria provided, single submitter. Criteria: Invitae Variant Classification Sherloc (09022015). Collection method: clinical testing. Allele origin: germline.
Comment: This sequence change replaces serine, which is neutral and polar, with asparagine, which is neutral and polar, at codon 439 of the ALK protein (p.Ser439Asn). This variant is not present in population databases (gnomAD no frequency). This variant has not been reported in the literature in individuals affected with ALK-related conditions. An algorithm developed to predict the effect of missense changes on protein structure and function (PolyPhen-2) suggests that this variant is likely to be disruptive. In summary, the available evidence is currently insufficient to determine the role of this variant in disease. Therefore, it has been classified as a Variant of Uncertain Significance.

NM_004304.5(ALK):c.1316G>A (p.Ser439Asn)

Gene: ALK (ALK receptor tyrosine kinase; minus strand). Cytogenetic location: 2p23.2.
Variant type: single nucleotide variant.
Coding change: c.1316G>A on transcript NM_004304.5 (MANE Select); coding-DNA position 1316, G replaced by A.
Protein change: p.Ser439Asn; replaces serine 439 with asparagine.
Molecular consequence: missense variant.
Genome position (GRCh38, 1-based): chr2:29,328,448, C>T on the plus strand (G>A on the coding strand, the complement: ALK is on the minus strand). VCF-style: chr2-29328448-C-T. GRCh37 (hg19) VCF-style: chr2-29551314-C-T.
Other names: short protein forms S439N.
Identifiers: ClinVar variation 4728597 (VCV004728597.1).
Genomic context (GRCh38, chr2:29,328,448, plus strand): 5'-TGGTGGAAGTCACAGGCCTGCCCAAGCTGGAGGACTGTCCCATTCCAACAAGTGAAGGAG[C>T]TCTGCAGGGCCATCTTGGAGCCTGGGGATGTTCCTGGAGAGCACACAGACACACAACCAT-3'
Protein context (NP_004295.2, residues 429-449): TSPGSKMALQ[Ser439Asn]SFTCWNGTVL